The following is an entry in ClinVar:

NM_001378418.1(TCF20):c.3806A>G (p.Gln1269Arg)

Gene: TCF20 (transcription factor 20; minus strand). Cytogenetic location: 22q13.2.
Variant type: single nucleotide variant.
Coding change: c.3806A>G on transcript NM_001378418.1 (MANE Select); coding-DNA position 3806, A replaced by G.
Protein change: p.Gln1269Arg; replaces glutamine 1269 with arginine.
Molecular consequence: missense variant.
Genome position (GRCh38, 1-based): chr22:42,211,500, T>C on the plus strand (A>G on the coding strand, the complement: TCF20 is on the minus strand). VCF-style: chr22-42211500-T-C. GRCh37 (hg19) VCF-style: chr22-42607506-T-C.
Other names: c.3806A>G, p.Gln1269Arg (NM_005650.4, NM_181492.3); short protein forms Q1269R.
Identifiers: ClinVar variation 3777517 (VCV003777517.2).
Genomic context (GRCh38, chr22:42,211,500, plus strand): 5'-TTTGATGAGTGAAGGAGGCGACCTTTATCTTCAGTGCTACTGTTCTTTACATCTTGTGAC[T>C]GTCTCTTACTGGGAATGGGAGAGATAAAAGAACGAACACGCCTCCTCATGATTAAGGGGT-3'
Protein context (NP_001365347.1, residues 1259-1279): SFISPIPSKR[Gln1269Arg]SQDVKNSSTE

ClinVar aggregate classification (germline): Uncertain significance (1 of 4 stars; one submission).

Submission:

GeneDx
Classification: Uncertain significance. Last evaluated: 2026-07-28. Review status: criteria provided, single submitter. Criteria: GeneDx Variant Classification Process June 2021. Collection method: clinical testing. Allele origin: germline.
Comment: Not observed at significant frequency in large population cohorts (gnomAD); In silico analysis suggests that this missense variant does not alter protein structure/function; Has not been previously published as pathogenic or benign to our knowledge